The following is an entry in ClinVar:

NM_002160.4(TNC):c.5068C>T (p.Leu1690Phe)

Gene: TNC (tenascin C; minus strand). Cytogenetic location: 9q33.1.
Variant type: single nucleotide variant.
Coding change: c.5068C>T on transcript NM_002160.4 (MANE Select); coding-DNA position 5068, C replaced by T.
Protein change: p.Leu1690Phe; replaces leucine 1690 with phenylalanine.
Molecular consequence: missense variant.
Genome position (GRCh38, 1-based): chr9:115,046,467, G>A on the plus strand (C>T on the coding strand, the complement: TNC is on the minus strand). VCF-style: chr9-115046467-G-A. GRCh37 (hg19) VCF-style: chr9-117808746-G-A.
Other names: c.4522C>T, p.Leu1508Phe (NM_001410991.1); short protein forms L1508F, L1690F.
Identifiers: ClinVar variation 2602171 (VCV002602171.4), dbSNP rs763507011, ClinGen allele CA5207764.
Genomic context (GRCh38, chr9:115,046,467, plus strand): 5'-TACCTGTTGTTGCTATAGCACTGACTGTCTGGGATCGCCTTCCTTTGCTTATTCCATAGA[G>A]TTCAATTTCGTATTCAGTAGCCTCTCTGAGACCTGTTATGTCCCTGGTACGTTCGGGGGC-3'
Protein context (NP_002151.2, residues 1680-1700): LREATEYEIE[Leu1690Phe]YGISKGRRSQ

ClinVar aggregate classification (germline): Uncertain significance. Review status: criteria provided, multiple submitters, no conflicts (2 of 4 stars). 2 submissions from 2 submitters: Uncertain significance (2). Last evaluated 2025-11-11.

Conditions:
TNC-related disorder. Also called: TNC-related condition.

Allele frequency attached by ClinVar (database versions not stated): gnomAD 0.00001; gnomAD exomes 0.00001; TOPMed 0.00001; ExAC 0.00002.
gnomAD v4.1: 21 of 1,614,022 alleles (0.0013%); highest among the groups gnomAD compares: Middle Eastern, 0.016%; no homozygotes.

Submissions (2):

PreventionGenetics, part of Exact Sciences
Classification: Uncertain significance for TNC-related condition. Last evaluated: 2025-11-11. Review status: criteria provided, single submitter. Criteria: ACMG Guidelines, 2015. Collection method: clinical testing. Allele origin: germline.
Comment: The TNC c.5068C>T variant is predicted to result in the amino acid substitution p.Leu1690Phe. To our knowledge, this variant has not been reported in the literature. This variant is reported in 0.0035% of alleles in individuals of European (Non-Finnish) descent in gnomAD. At this time, the clinical significance of this variant is uncertain due to the absence of conclusive functional and genetic evidence.

Ambry Genetics
Classification: Uncertain significance. Last evaluated: 2025-08-12. Review status: criteria provided, single submitter. Criteria: Ambry Variant Classification Scheme 2023. Collection method: clinical testing. Allele origin: germline.